The following is an entry in ClinVar:

ClinVar aggregate classification (germline): Pathogenic. Review status: criteria provided, multiple submitters, no conflicts (2 of 4 stars). 12 submissions from 12 submitters: Pathogenic (9). 3 of the submissions do not count toward it. Last evaluated 2025-11-18.

Conditions:
Primary hyperoxaluria type 3. Also called: PH III. Identifiers: Orphanet 416, Orphanet 93600, MedGen C3150878, MONDO:0013327, OMIM 613616. Disease mechanism: loss of function.

Allele frequency attached by ClinVar (database versions not stated): TOPMed 0.00004; gnomAD 0.00009; ESP Exome Variant Server 0.00008.
gnomAD v4.1: 96 of 1,614,104 alleles (0.0059%); highest among the groups gnomAD compares: Admixed American, 0.012%; no homozygotes.

Submissions (12):

Labcorp Genetics (formerly Invitae), Labcorp
Classification: Pathogenic. Last evaluated: 2025-11-18. Review status: criteria provided, single submitter. Criteria: Invitae Variant Classification Sherloc (09022015). Collection method: clinical testing. Allele origin: germline.
Comment: This sequence change replaces glycine, which is neutral and non-polar, with valine, which is neutral and non-polar, at codon 287 of the HOGA1 protein (p.Gly287Val). This variant is present in population databases (rs138207257, gnomAD 0.2%). This missense change has been observed in individuals with primary hyperoxaluria (PMID: 20797690, 21896830, 22391140, 27561601). It has also been observed to segregate with disease in related individuals. ClinVar contains an entry for this variant (Variation ID: 30). Invitae Evidence Modeling of protein sequence and biophysical properties (such as structural, functional, and spatial information, amino acid conservation, physicochemical variation, residue mobility, and thermodynamic stability) indicates that this missense variant is expected to disrupt HOGA1 protein function with a positive predictive value of 95%. Experimental studies have shown that this missense change affects HOGA1 function (PMID: 22771891). For these reasons, this variant has been classified as Pathogenic.

Rare Kidney Stone Consortium and the Mayo Clinic Hyperoxaluria Center, Mayo Clinic
Classification: Pathogenic for Primary hyperoxaluria type 3. Last evaluated: 2025-10-03. Review status: criteria provided, single submitter. Criteria: ACMG Guidelines, 2015. Collection method: research. Allele origin: germline. Affected: yes. Observed: 2 variant alleles.
Comment: ACMG:PM1, PM2, PM5, PP2, PP3, PP5

Natera, Inc.
Classification: Pathogenic for Primary hyperoxaluria type III. Last evaluated: 2025-09-10. Review status: criteria provided, single submitter. Criteria: Natera Variant Classification Schema (03/2026). Collection method: clinical testing. Allele origin: germline.
Comment: The c.860G>T variant in HOGA1 is a missense variant predicted to cause substitution of glycine to valine at amino acid 287. This variant has been observed in one or more individuals affected with the associated recessive disease, as either homozygous or compound heterozygous with a second variant (PMID: 22391140). Given the available evidence, this variant is classified as Pathogenic.

Fulgent Genetics
Classification: Pathogenic for Primary hyperoxaluria type 3. Last evaluated: 2024-03-27. Review status: criteria provided, single submitter. Criteria: ACMG Guidelines, 2015. Collection method: clinical testing. Allele origin: germline.

GeneDx
Classification: Pathogenic. Last evaluated: 2023-09-08. Review status: criteria provided, single submitter. Criteria: GeneDx Variant Classification Process June 2021. Collection method: clinical testing. Allele origin: germline. Affected: yes.
Comment: Published functional studies in CHO cells demonstrate a damaging effect (Riedel et al., 2012); In silico analysis supports that this missense variant has a deleterious effect on protein structure/function; This variant is associated with the following publications: (PMID: 21998747, 22391140, 27561601, 29705963, 29795570, 25629080, 25972204, 20797690, 21896830, 22771891, 31589614, 33865885)

Revvity Omics, Revvity
Classification: Pathogenic. Last evaluated: 2022-06-23. Review status: criteria provided, single submitter. Criteria: ACMG Guidelines, 2015. Collection method: clinical testing. Allele origin: germline.

Women's Health and Genetics/Laboratory Corporation of America, LabCorp
Classification: Pathogenic for Primary hyperoxaluria type 3. Last evaluated: 2022-06-03. Review status: criteria provided, single submitter. Criteria: LabCorp Variant Classification Summary - May 2015. Collection method: clinical testing. Allele origin: germline.
Comment: Variant summary: HOGA1 c.860G>T (p.Gly287Val) results in a non-conservative amino acid change in the encoded protein sequence. Four of five in-silico tools predict a damaging effect of the variant on protein function. The variant allele was found at a frequency of 0.00011 in 250406 control chromosomes. This frequency is not significantly higher than expected for a pathogenic variant in HOGA1 causing Primary Hyperoxaluria, Type III (0.00011 vs 0.0015). c.860G>T has been reported in the literature in the homozygous and heterozygous state in multiple individuals affected with Primary Hyperoxaluria, Type III and has been found to segregate with disease in affected families (example Belostotsky_2010, Allard_2015, M'dimegh_2017 Martin-Higueras_2021). These data indicate that the variant is very likely to be associated with disease. At least one publication reports experimental evidence evaluating an impact on protein function. The variant was shown to result in a protein that was unstable, prone to aggregation, an had no measurable enzymatic activity (Riedel_2012). Four clinical diagnostic laboratories have submitted clinical-significance assessments for this variant to ClinVar after 2014 without evidence for independent evaluation. Three laboratories classified the variant as pathogenic and one as likely pathogenic. Based on the evidence outlined above, the variant was classified as pathogenic.

Department of Pathology and Laboratory Medicine, Sinai Health System
Classification: Pathogenic for Primary hyperoxaluria type 3. Last evaluated: 2022-04-26. Review status: criteria provided, single submitter. Criteria: ACMG Guidelines, 2015. Collection method: research. Allele origin: germline.

Illumina Laboratory Services, Illumina
Classification: Pathogenic for Primary hyperoxaluria type 3. Last evaluated: 2018-12-16. Review status: criteria provided, single submitter. Criteria: ICSL Variant Classification Criteria 09 May 2019. Collection method: clinical testing. Allele origin: germline.
Comment: The HOGA1 c.860G>T (p.Gly287Val) missense variant was first reported by Belostotsky et al. (2010) in a non-consanguineous Ashkenazi Jewish family with primary hyperoxaluria type 3. Five affected children were found to be compound heterozygous for the p.Gly287Val variant and a second variant. Additionally, the variant has been reported in at least three further cases in a compound heterozygous state (Monico et al., 2011 and Williams et al., 2012). Riedel et al. (2012) found that protein products of the p.Gly287Val variant were unstable, had a tendency to aggregate, and retained no measurable activity, as compared to the wild type protein. Control data are unavailable for this variant, which is reported at a frequency of 0.001588 in the Asjkenazi Jewish population of the Genome Aggregation Database. Based on the collective evidence the HOGA1 p.Gly287Val variant is classified as pathogenic for primary hyperoxaluria. This variant was observed by ICSL as part of a predisposition screen in an ostensibly healthy population.

Counsyl
Classification: Likely pathogenic for Primary hyperoxaluria type 3. Last evaluated: 2017-01-27. Review status: no assertion criteria provided. Collection method: clinical testing. Allele origin: unknown. Not counted in ClinVar's aggregate classification.

Clinical Biochemistry Laboratory, Health Services Laboratory
Classification: Pathogenic for Primary hyperoxaluria, type III. Last evaluated: 2014-11-27. Review status: no assertion criteria provided. Collection method: in vitro. Allele origin: germline. Affected: yes. Not counted in ClinVar's aggregate classification.
Comment: Prediction programme. Found in conjunction with c.700+5G>T.

OMIM
Classification: Pathogenic for HYPEROXALURIA, PRIMARY, TYPE III. Last evaluated: 2010-09-10. Review status: no assertion criteria provided. Collection method: literature only. Allele origin: germline. Not counted in ClinVar's aggregate classification.

Literature cited by the submitters: PubMed 20797690 (cited by 7 submitters); PubMed 21896830 (cited by 4 submitters); PubMed 22391140 (cited by 5 submitters); PubMed 27561601 (cited by 3 submitters); PubMed 22771891 (cited by 5 submitters); PubMed 31589614 (cited by Rare Kidney Stone Consortium and the Mayo Clinic Hyperoxaluria Center, Mayo Clinic); PubMed 36409364 (cited by Rare Kidney Stone Consortium and the Mayo Clinic Hyperoxaluria Center, Mayo Clinic); PubMed 40794449 (cited by Rare Kidney Stone Consortium and the Mayo Clinic Hyperoxaluria Center, Mayo Clinic); PubMed 33865885 (cited by Women's Health and Genetics/Laboratory Corporation of America, LabCorp); PubMed 25972204 (cited by Women's Health and Genetics/Laboratory Corporation of America, LabCorp); PubMed 21998747 (cited by Counsyl).

NM_138413.4(HOGA1):c.860G>T (p.Gly287Val)

Gene: HOGA1 (4-hydroxy-2-oxoglutarate aldolase 1; plus strand). Cytogenetic location: 10q24.2.
Variant type: single nucleotide variant.
Coding change: c.860G>T on transcript NM_138413.4 (MANE Select); coding-DNA position 860, G replaced by T.
Protein change: p.Gly287Val; replaces glycine 287 with valine.
Molecular consequence: missense variant.
Genome position (GRCh38, 1-based): chr10:97,611,535, G>T. VCF-style: chr10-97611535-G-T. GRCh37 (hg19) VCF-style: chr10-99371292-G-T.
Other names: c.371G>T, p.Gly124Val (NM_001134670.2); short protein forms G287V, G124V.
Identifiers: ClinVar variation 30 (VCV000000030.21), dbSNP rs138207257, ClinGen allele CA113813.
Genomic context (GRCh38, chr10:97,611,535, plus strand): 5'-TTTCTCAGTCTCTTCTAACAGGCCCTGCTTTGCAGGTGACCCGGCGCTTTGGGATCCCAG[G>T]GCTGAAGAAAATCATGGACTGGTTTGGCTACTATGGAGGCCCCTGCCGCGCCCCCTTGCA-3'
Protein context (NP_612422.2, residues 277-297): AAVTRRFGIP[Gly287Val]LKKIMDWFGY